The following is an entry in ClinVar:

ClinVar aggregate classification (germline): Likely pathogenic (1 of 4 stars; one submission).

Submission:

GeneDx
Classification: Likely pathogenic. Last evaluated: 2016-08-31. Review status: criteria provided, single submitter. Criteria: GeneDx Variant Classification (06012015). Collection method: clinical testing. Allele origin: germline. Affected: yes.
Comment: Although the c.1635_1636dupTA variant in the DSC2 gene has not been reported to our knowledge,this variant causes a shift in reading frame starting at codon Asparagine 546, changing it to anIsoleucine, and creating a premature stop codon at position 26 of the new reading frame, denotedp.N546IfsX26. This variant is expected to result in either an abnormal, truncated protein product orloss of protein from this allele through nonsense-mediated mRNA decay. Other downstream frameshiftvariants in the DSC2 gene have been reported in HGMD in association with ARVC (Stenson P et al.,2014). Furthermore, the c.1635_1636dupTA variant was not observed in approximately 6,500individuals of European and African American ancestry in the NHLBI Exome Sequencing Project,indicating it is not a common benign variant in these populations.While the c.1635_1636dupTA variant has not been published, it is expected to be pathogenic.

NM_024422.6(DSC2):c.1635_1636dup (p.Asn546fs)

Gene: DSC2 (desmocollin 2; minus strand). Cytogenetic location: 18q12.1.
Variant type: Microsatellite.
Coding change: c.1635_1636dup on transcript NM_024422.6 (MANE Select); coding-DNA positions 1635 to 1636, 2 bases duplicated (TA; older notation c.1635_1636dupTA).
Protein change: p.Asn546fs; shifts the reading frame from asparagine 546.
Molecular consequence: frameshift variant.
Genome position (GRCh38, 1-based): chr18:31,079,874-31,079,875, TA duplicated on the plus strand (TA on the coding strand, the reverse complement: DSC2 is on the minus strand); duplicating any 2 consecutive bases within chr18:31,079,874-31,079,880 gives the same sequence; the c. name uses the placement nearest the transcript's 3' end. VCF-style (leftmost placement, unchanged base first): chr18-31079873-T-TTA. GRCh37 (hg19) VCF-style: chr18-28659839-T-TTA.
Other names: c.1635_1636dup, p.Asn546fs (NM_004949.5); short protein forms N546fs.
Identifiers: ClinVar variation 418167 (VCV000418167.1), dbSNP rs1555638622, ClinGen allele CA16620672.